The following is an entry in ClinVar:

NM_000760.4(CSF3R):c.1399C>A (p.Pro467Thr)

Gene: CSF3R (colony stimulating factor 3 receptor; minus strand). Cytogenetic location: 1p34.3.
Variant type: single nucleotide variant.
Coding change: c.1399C>A on transcript NM_000760.4 (MANE Select); coding-DNA position 1399, C replaced by A.
Protein change: p.Pro467Thr; replaces proline 467 with threonine.
Molecular consequence: missense variant.
Genome position (GRCh38, 1-based): chr1:36,469,727, G>T on the plus strand (C>A on the coding strand, the complement: CSF3R is on the minus strand). VCF-style: chr1-36469727-G-T. GRCh37 (hg19) VCF-style: chr1-36935328-G-T.
Other names: c.1399C>A, p.Pro467Thr (NM_156039.3, NM_172313.3); short protein forms P467T.
Identifiers: ClinVar variation 2725456 (VCV002725456.3), dbSNP rs538923210, ClinGen allele CA769204.
Genomic context (GRCh38, chr1:36,469,727, plus strand): 5'-CCGTGGCTCTCCCATTCTGTTCCATCCTCCAGGTCTTGTTGCTATTGCTCGCGCTGGGGG[G>T]GCCCAGGCCCCACTCAATCACATAGCCCTGAGGCCATGGATTGGGGGGCTCCCAGCCTAC-3'
Protein context (NP_000751.1, residues 457-477): QGYVIEWGLG[Pro467Thr]PSASNSNKTW

ClinVar aggregate classification (germline): Uncertain significance (1 of 4 stars; one submission).

Conditions:
Autosomal recessive severe congenital neutropenia due to CSF3R deficiency. Also called: Neutropenia, severe congenital, 7, autosomal recessive. Identifiers: Orphanet 420702, MedGen C4310764, MONDO:0014865, OMIM 617014.

gnomAD v4.1: 8 of 1,614,182 alleles (0.0005%); highest among the groups gnomAD compares: Admixed American, 0.0067%; no homozygotes.

Submission:

Labcorp Genetics (formerly Invitae), Labcorp
Classification: Uncertain significance for Autosomal recessive severe congenital neutropenia due to CSF3R deficiency. Last evaluated: 2026-01-28. Review status: criteria provided, single submitter. Criteria: Invitae Variant Classification Sherloc (09022015). Collection method: clinical testing. Allele origin: germline.
Comment: This sequence change replaces proline, which is neutral and non-polar, with threonine, which is neutral and polar, at codon 467 of the CSF3R protein (p.Pro467Thr). This variant is present in population databases (rs538923210, gnomAD 0.009%). This variant has not been reported in the literature in individuals affected with CSF3R-related conditions. ClinVar contains an entry for this variant (Variation ID: 2725456). Invitae Evidence Modeling of protein sequence and biophysical properties (such as structural, functional, and spatial information, amino acid conservation, physicochemical variation, residue mobility, and thermodynamic stability) indicates that this missense variant is not expected to disrupt CSF3R protein function with a negative predictive value of 80%. In summary, the available evidence is currently insufficient to determine the role of this variant in disease. Therefore, it has been classified as a Variant of Uncertain Significance.